The following is an entry in ClinVar:

NM_001286577.2(C2CD3):c.1844-14G>A

Gene: C2CD3 (C2 domain containing 3 centriole elongation regulator; minus strand). Cytogenetic location: 11q13.4.
Variant type: single nucleotide variant.
Coding change: c.1844-14G>A on transcript NM_001286577.2 (MANE Select); 14 bases into the intron before coding-DNA position 1844, G replaced by A.
Molecular consequence: intron variant.
Genome position (GRCh38, 1-based): chr11:74,109,166, C>T on the plus strand (G>A on the coding strand, the complement: C2CD3 is on the minus strand). VCF-style: chr11-74109166-C-T. GRCh37 (hg19) VCF-style: chr11-73820211-C-T.
Other names: c.1844-14G>A (NM_015531.6).
Identifiers: ClinVar variation 1522181 (VCV001522181.5), dbSNP rs1565303932, ClinGen allele CA1982743113.
Genomic context (GRCh38, chr11:74,109,166, plus strand): 5'-GCCACCAAACTGTACTGGAAACACAAATCGCTGCTGGAACTTCACCTCTGTAAGGAGAAC[C>T]AGACACACAGACATGTCACACCACCCAACTGAAGTCATCATCAATTCATGCCTTGATACC-3'

ClinVar aggregate classification (germline): Uncertain significance (1 of 4 stars; one submission).

Submission:

Labcorp Genetics (formerly Invitae), Labcorp
Classification: Uncertain significance. Last evaluated: 2021-08-24. Review status: criteria provided, single submitter. Criteria: Invitae Variant Classification Sherloc (09022015). Collection method: clinical testing. Allele origin: germline.
Comment: This sequence change falls in intron 11 of the C2CD3 gene. It does not directly change the encoded amino acid sequence of the C2CD3 protein. This variant is not present in population databases (ExAC no frequency). This variant has not been reported in the literature in individuals affected with C2CD3-related conditions. Algorithms developed to predict the effect of sequence changes on RNA splicing suggest that this variant may create or strengthen a splice site. In summary, the available evidence is currently insufficient to determine the role of this variant in disease. Therefore, it has been classified as a Variant of Uncertain Significance.